The following is an entry in ClinVar:

NM_001197104.2(KMT2A):c.1340C>T (p.Pro447Leu)

Gene: KMT2A (lysine methyltransferase 2A; plus strand). Cytogenetic location: 11q23.3.
Variant type: single nucleotide variant.
Coding change: c.1340C>T on transcript NM_001197104.2 (MANE Select); coding-DNA position 1340, C replaced by T.
Protein change: p.Pro447Leu; replaces proline 447 with leucine.
Molecular consequence: missense variant.
Genome position (GRCh38, 1-based): chr11:118,472,499, C>T. VCF-style: chr11-118472499-C-T. GRCh37 (hg19) VCF-style: chr11-118343214-C-T.
Other names: c.1439C>T, p.Pro480Leu (NM_001412597.1); c.1340C>T, p.Pro447Leu (NM_005933.4); short protein forms P447L, P480L.
Identifiers: ClinVar variation 2473705 (VCV002473705.5), dbSNP rs1555035918, ClinGen allele CA382809901.

ClinVar aggregate classification (germline): Uncertain significance. Review status: criteria provided, multiple submitters, no conflicts (2 of 4 stars). 3 submissions from 3 submitters: Uncertain significance (3). Last evaluated 2024-03-12.

Conditions:
Inborn genetic diseases. Identifiers: MedGen C0950123, MeSH D030342.

Submissions (3):

Labcorp Genetics (formerly Invitae), Labcorp
Classification: Uncertain significance. Last evaluated: 2024-03-12. Review status: criteria provided, single submitter. Criteria: Invitae Variant Classification Sherloc (09022015). Collection method: clinical testing. Allele origin: germline.
Comment: This sequence change replaces proline, which is neutral and non-polar, with leucine, which is neutral and non-polar, at codon 447 of the KMT2A protein (p.Pro447Leu). This variant is not present in population databases (gnomAD no frequency). This variant has not been reported in the literature in individuals affected with KMT2A-related conditions. ClinVar contains an entry for this variant (Variation ID: 2473705). Advanced modeling of protein sequence and biophysical properties (such as structural, functional, and spatial information, amino acid conservation, physicochemical variation, residue mobility, and thermodynamic stability) has been performed at Invitae for this missense variant, however the output from this modeling did not meet the statistical confidence thresholds required to predict the impact of this variant on KMT2A protein function. In summary, the available evidence is currently insufficient to determine the role of this variant in disease. Therefore, it has been classified as a Variant of Uncertain Significance.

GeneDx
Classification: Uncertain significance. Last evaluated: 2023-05-02. Review status: criteria provided, single submitter. Criteria: GeneDx Variant Classification Process June 2021. Collection method: clinical testing. Allele origin: germline. Affected: yes.
Comment: Not observed at significant frequency in large population cohorts (gnomAD); In silico analysis supports that this missense variant has a deleterious effect on protein structure/function; Has not been previously published as pathogenic or benign to our knowledge

Ambry Genetics
Classification: Uncertain significance for Inborn genetic diseases. Last evaluated: 2023-01-12. Review status: criteria provided, single submitter. Criteria: Ambry Variant Classification Scheme 2023. Collection method: clinical testing. Allele origin: germline.
Comment: The c.1340C>T (p.P447L) alteration is located in exon 3 (coding exon 3) of the KMT2A gene. This alteration results from a C to T substitution at nucleotide position 1340, causing the proline (P) at amino acid position 447 to be replaced by a leucine (L). This variant was not reported in population-based cohorts in the Genome Aggregation Database (gnomAD). This amino acid position is highly conserved in available vertebrate species. The in silico prediction for this alteration is inconclusive. Based on insufficient or conflicting evidence, the clinical significance of this alteration remains unclear.